The following is an entry in ClinVar:

NM_182931.3(KMT2E):c.1982T>C (p.Ile661Thr)

Gene: KMT2E (lysine methyltransferase 2E (inactive); plus strand). Cytogenetic location: 7q22.3.
Variant type: single nucleotide variant.
Coding change: c.1982T>C on transcript NM_182931.3 (MANE Select); coding-DNA position 1982, T replaced by C.
Protein change: p.Ile661Thr; replaces isoleucine 661 with threonine.
Molecular consequence: missense variant.
Genome position (GRCh38, 1-based): chr7:105,101,980, T>C. VCF-style: chr7-105101980-T-C. GRCh37 (hg19) VCF-style: chr7-104742427-T-C.
Other names: c.1982T>C, p.Ile661Thr (NM_001410908.1, NM_018682.4); short protein forms I661T.
Identifiers: ClinVar variation 2307672 (VCV002307672.3), dbSNP rs1798674777, ClinGen allele CA368784746.

ClinVar aggregate classification (germline): Uncertain significance. Review status: criteria provided, multiple submitters, no conflicts (2 of 4 stars). 2 submissions from 2 submitters: Uncertain significance (2). Last evaluated 2026-03-05.

Conditions:
O'Donnell-Luria-Rodan syndrome (ODLURO). Also called: KMT2E-Related Neurodevelopmental Disorder. Identifiers: MedGen C5193138, MONDO:0032793, OMIM 618512.
Inborn genetic diseases. Identifiers: MedGen C0950123, MeSH D030342.

Allele frequency attached by ClinVar (database versions not stated): TOPMed below 0.00001.

Submissions (2):

Mendelics
Classification: Uncertain significance for O'Donnell-Luria-Rodan syndrome. Last evaluated: 2026-03-05. Review status: criteria provided, single submitter. Criteria: ACMG Guidelines, 2015. Collection method: clinical testing. Allele origin: unknown.
Comment: The available evidence is insufficient to conclusively determine the role of this variant. Therefore, it is classified as a Variant of Uncertain Significance.

Ambry Genetics
Classification: Uncertain significance for Inborn genetic diseases. Last evaluated: 2022-08-17. Review status: criteria provided, single submitter. Criteria: Ambry Variant Classification Scheme 2023. Collection method: clinical testing. Allele origin: germline.